The following is an entry in ClinVar:

NM_004369.4(COL6A3):c.7749G>A (p.Thr2583=)

Gene: COL6A3 (collagen type VI alpha 3 chain; minus strand). Cytogenetic location: 2q37.3.
Variant type: single nucleotide variant.
Coding change: c.7749G>A on transcript NM_004369.4 (MANE Select); coding-DNA position 7749, G replaced by A.
Protein change: p.Thr2583=; no amino-acid change (threonine 2583 retained).
Molecular consequence: synonymous variant.
Genome position (GRCh38, 1-based): chr2:237,342,081, C>T on the plus strand (G>A on the coding strand, the complement: COL6A3 is on the minus strand). VCF-style: chr2-237342081-C-T. GRCh37 (hg19) VCF-style: chr2-238250724-C-T.
Other names: c.5928G>A, p.Thr1976= (NM_057166.5); c.7131G>A, p.Thr2377= (NM_057167.4).
Identifiers: ClinVar variation 284801 (VCV000284801.15), dbSNP rs758582935, ClinGen allele CA2187715.
Genomic context (GRCh38, chr2:237,342,081, plus strand): 5'-GCAATTGCAGCTGAGCAGATCTTCCTGTTAGAGAAACAGCTTACCCAAGCAAACATGACA[C>T]GTGAGGACATTCTCCAGGAAGTCTGTGAGGTCTCTCCCTGCAGGCAGGACAAGCGCATGC-3'
Protein context (NP_004360.2, residues 2573-2593): DLTDFLENVL[Thr2583=]CHVCLDICNI

ClinVar aggregate classification (germline): Conflicting classifications of pathogenicity. Review status: criteria provided, conflicting classifications (1 of 4 stars). 4 submissions from 4 submitters: Uncertain significance (1); Likely benign (3). Last evaluated 2025-10-14.

Conditions:
COL6A3-related disorder. Also called: COL6A3-related condition; COL6A3-related disorders.
Bethlem myopathy 1A. Also called: MYOPATHY, BENIGN CONGENITAL, WITH CONTRACTURES; Bethlem myopathy 1; Bethlem Muscular Dystrophy. Identifiers: Orphanet 610, MedGen CN029274, MONDO:0024530, OMIM 158810.

Allele frequency attached by ClinVar (database versions not stated): TOPMed 0.00003; ExAC 0.00004; gnomAD 0.00005; gnomAD exomes 0.00005.
gnomAD v4.1: 93 of 1,614,034 alleles (0.0058%); highest among the groups gnomAD compares: Admixed American, 0.015%; 1 homozygote.

Submissions (4):

PreventionGenetics, part of Exact Sciences
Classification: Likely benign for COL6A3-related condition. Last evaluated: 2025-10-14. Review status: criteria provided, single submitter. Criteria: ACMG Guidelines, 2015. Collection method: clinical testing. Allele origin: germline.
Comment: This variant is classified as likely benign based on ACMG/AMP sequence variant interpretation guidelines (Richards et al. 2015 PMID: 25741868, with internal and published modifications).

Labcorp Genetics (formerly Invitae), Labcorp
Classification: Likely benign for Bethlem myopathy 1A. Last evaluated: 2025-05-22. Review status: criteria provided, single submitter. Criteria: Invitae Variant Classification Sherloc (09022015). Collection method: clinical testing. Allele origin: germline.

GeneDx
Classification: Likely benign. Last evaluated: 2018-05-23. Review status: criteria provided, single submitter. Criteria: GeneDx Variant Classification (06012015). Collection method: clinical testing. Allele origin: germline. Affected: yes.
Comment: This variant is considered likely benign or benign based on one or more of the following criteria: it is a conservative change, it occurs at a poorly conserved position in the protein, it is predicted to be benign by multiple in silico algorithms, and/or has population frequency not consistent with disease.

Eurofins Ntd Llc (ga)
Classification: Uncertain significance. Last evaluated: 2017-01-19. Review status: criteria provided, single submitter. Criteria: EGL Classification Definitions 2015. Collection method: clinical testing. Allele origin: germline. Observed: 2 variant alleles, 2 heterozygotes.